The following is an entry in ClinVar:

NM_000512.5(GALNS):c.920T>C (p.Leu307Pro)

Gene: GALNS (galactosamine (N-acetyl)-6-sulfatase; minus strand). Cytogenetic location: 16q24.3.
Variant type: single nucleotide variant.
Coding change: c.920T>C on transcript NM_000512.5 (MANE Select); coding-DNA position 920, T replaced by C.
Protein change: p.Leu307Pro; replaces leucine 307 with proline.
Molecular consequence: missense variant.
Genome position (GRCh38, 1-based): chr16:88,832,080, A>G on the plus strand (T>C on the coding strand, the complement: GALNS is on the minus strand). VCF-style: chr16-88832080-A-G. GRCh37 (hg19) VCF-style: chr16-88898488-A-G.
Other names: c.365T>C, p.Leu122Pro (NM_001323543.2); c.938T>C, p.Leu313Pro (NM_001323544.2); short protein forms L122P, L307P, L313P.
Identifiers: ClinVar variation 1048216 (VCV001048216.14), dbSNP rs2142999202, ClinGen allele CA397101433.

ClinVar aggregate classification (germline): Conflicting classifications of pathogenicity. Review status: criteria provided, conflicting classifications (1 of 4 stars). 3 submissions from 3 submitters: Likely pathogenic (1); Uncertain significance (2). Last evaluated 2022-11-29.

Conditions:
Mucopolysaccharidosis, MPS-IV-A (MPS4A). Also called: Mucopolysaccharidosis type IV A; Mucopolysaccharidosis Type IVA; Morquio syndrome A, mild; MORQUIO SYNDROME A; MPS IVA; mucopolysaccharidosis type 4A. Identifiers: Orphanet 309297, Orphanet 582, MedGen C0086651, MONDO:0009659, OMIM 253000.

Submissions (3):

Labcorp Genetics (formerly Invitae), Labcorp
Classification: Likely pathogenic for Mucopolysaccharidosis, MPS-IV-A. Last evaluated: 2022-11-29. Review status: criteria provided, single submitter. Criteria: Invitae Variant Classification Sherloc (09022015). Collection method: clinical testing. Allele origin: germline.
Comment: In summary, the currently available evidence indicates that the variant is pathogenic, but additional data are needed to prove that conclusively. Therefore, this variant has been classified as Likely Pathogenic. Advanced modeling of protein sequence and biophysical properties (such as structural, functional, and spatial information, amino acid conservation, physicochemical variation, residue mobility, and thermodynamic stability) performed at Invitae indicates that this missense variant is expected to disrupt GALNS protein function. ClinVar contains an entry for this variant (Variation ID: 1048216). This missense change has been observed in individual(s) with mucopolysaccharidosis type IVA (PMID: 15309681). This variant is not present in population databases (gnomAD no frequency). This sequence change replaces leucine, which is neutral and non-polar, with proline, which is neutral and non-polar, at codon 307 of the GALNS protein (p.Leu307Pro).

Genome-Nilou Lab
Classification: Uncertain significance for Mucopolysaccharidosis, MPS-IV-A. Last evaluated: 2021-11-07. Review status: criteria provided, single submitter. Criteria: ACMG Guidelines, 2015. Collection method: clinical testing. Allele origin: germline. Affected: no.

Laboratory of Diagnosis and Therapy of Lysosomal Disorders, University of Padova
Classification: Uncertain significance for Mucopolysaccharidosis, MPS-IV-A. Last evaluated: 2021-02-01. Review status: criteria provided, single submitter. Criteria: ACMG Guidelines, 2015. Collection method: curation. Allele origin: germline. Affected: yes.
Comment: Absent from gnomAD v2.1.1 (PM2_moderate); multiple lines of computational evidence support a deleterious effect on the gene (PP3_supporting)

Literature cited by the submitters: PubMed 15309681 (cited by Labcorp Genetics (formerly Invitae), Labcorp and Laboratory of Diagnosis and Therapy of Lysosomal Disorders, University of Padova); PubMed 34387910 (cited by Laboratory of Diagnosis and Therapy of Lysosomal Disorders, University of Padova).